The following is an entry in ClinVar:

ClinVar aggregate classification (germline): Pathogenic. Review status: criteria provided, multiple submitters, no conflicts (2 of 4 stars). 4 submissions from 4 submitters: Pathogenic (2). 2 of the submissions do not count toward it. Last evaluated 2022-08-12.

Conditions:
CYBB-related disorders.
Granulomatous disease, chronic, X-linked, variant. Identifiers: MedGen CN043100.
Granulomatous disease, chronic, X-linked. Also called: CYTOCHROME b-NEGATIVE GRANULOMATOUS DISEASE, CHRONIC, X-LINKED; GRANULOMATOUS DISEASE, CHRONIC, X-LINKED, SOMATIC MOSAIC. Identifiers: Orphanet 379, MedGen C1844376, MONDO:0010600, OMIM 306400.

Submissions (4):

Blueprint Genetics
Classification: Pathogenic for CYBB-related disorders. Last evaluated: 2022-08-12. Review status: criteria provided, single submitter. Criteria: ACMG Guidelines, 2015. Collection method: clinical testing. Allele origin: germline. Affected: yes. Observed: 1 variant allele.

Women's Health and Genetics/Laboratory Corporation of America, LabCorp
Classification: Pathogenic for Chronic granulomatous disease, X-linked. Last evaluated: 2019-06-28. Review status: criteria provided, single submitter. Criteria: LabCorp Variant Classification Summary - May 2015. Collection method: clinical testing. Allele origin: germline.
Comment: Variant summary: CYBB c.302A>G (p.His101Arg) results in a non-conservative amino acid change located in the Ferric reductase transmembrane component-like domain of the encoded protein sequence. Five of five in-silico tools predict a damaging effect of the variant on protein function. The variant was absent in 182647 control chromosomes (gnomAD). c.302A>G has been reported in the literature in individuals affected with X-linked Chronic Granulomatous Disease (Bolscher_1991, Roos_1996, Zhou_2018, de Oliveira-Junior_2015). These data indicate that the variant may be associated with disease. Functional studies investigating a different amino acid change at this codon (p.His101Leu) suggest that this histidine is critical for heme binding and protein function (Biberstine-Kinkade_2001). In addition, another variant, c.301C>T, affecting this same codon, H101Y, has also been reported to be associated with disease (HGMD). No clinical diagnostic laboratories have submitted clinical-significance assessments for this variant to ClinVar after 2014. Based on the evidence outlined above, the variant was classified as pathogenic.

OMIM
Classification: Pathogenic for GRANULOMATOUS DISEASE, CHRONIC, X-LINKED, VARIANT. Last evaluated: 1991-06-01. Review status: no assertion criteria provided. Collection method: literature only. Allele origin: germline. Not counted in ClinVar's aggregate classification.

UniProtKB/Swiss-Prot
No classification provided. Review status: no classification provided. Collection method: not provided. Allele origin: not provided. Not counted in ClinVar's aggregate classification.

Literature cited by the submitters: PubMed 11413138 (cited by Women's Health and Genetics/Laboratory Corporation of America, LabCorp); PubMed 1710153 (cited by Women's Health and Genetics/Laboratory Corporation of America, LabCorp and OMIM); PubMed 11162142 (cited by Women's Health and Genetics/Laboratory Corporation of America, LabCorp); PubMed 8634410 (cited by Women's Health and Genetics/Laboratory Corporation of America, LabCorp); PubMed 18509647 (cited by Women's Health and Genetics/Laboratory Corporation of America, LabCorp); PubMed 29560547 (cited by Women's Health and Genetics/Laboratory Corporation of America, LabCorp); PubMed 26185101 (cited by Women's Health and Genetics/Laboratory Corporation of America, LabCorp).

NM_000397.4(CYBB):c.302A>G (p.His101Arg)

Gene: CYBB (cytochrome b-245 beta chain; plus strand). Cytogenetic location: Xp21.1.
Variant type: single nucleotide variant.
Coding change: c.302A>G on transcript NM_000397.4 (MANE Select); coding-DNA position 302, A replaced by G.
Protein change: p.His101Arg; replaces histidine 101 with arginine.
Molecular consequence: missense variant.
Genome position (GRCh38, 1-based): chrX:37,792,024, A>G. VCF-style: chrX-37792024-A-G. GRCh37 (hg19) VCF-style: chrX-37651277-A-G.
Other names: short protein forms H101R.
Identifiers: ClinVar variation 10926 (VCV000010926.3), dbSNP rs137854591, ClinGen allele CA121243.